The following is an entry in ClinVar:

NM_002109.6(HARS1):c.90+1G>A

Genes: HARS1 (histidyl-tRNA synthetase 1; minus strand), LOC129994848 (ATAC-STARR-seq lymphoblastoid active region 23285; plus strand). Cytogenetic location: 5q31.3.
Variant type: single nucleotide variant.
Coding change: c.90+1G>A on transcript NM_002109.6 (MANE Select); the canonical splice donor site of the intron after coding-DNA position 90, G replaced by A.
Molecular consequence: splice donor variant. On other transcripts: intron variant (1).
Genome position (GRCh38, 1-based): chr5:140,691,214, C>T on the plus strand (G>A on the coding strand, the complement: HARS1 is on the minus strand). VCF-style: chr5-140691214-C-T. GRCh37 (hg19) VCF-style: chr5-140070799-C-T.
Other names: c.3+88G>A (NM_001289094.2); c.90+1G>A (NM_001289093.2, NM_001258042.3, NM_001258040.3 and 2 more transcripts).
Identifiers: ClinVar variation 2103649 (VCV002103649.4), dbSNP rs1554109203, ClinGen allele CA361191606.

ClinVar aggregate classification (germline): Uncertain significance (1 of 4 stars; one submission).

Conditions:
Usher syndrome type 3B. Also called: USHER SYNDROME, TYPE IIIB. Identifiers: MedGen C3281066, MONDO:0013788, OMIM 614504.

gnomAD v4.1: 1 of 1,598,606 alleles (0.000063%); no homozygotes.

Submission:

Labcorp Genetics (formerly Invitae), Labcorp
Classification: Uncertain significance for Usher syndrome type 3B. Last evaluated: 2022-02-25. Review status: criteria provided, single submitter. Criteria: Invitae Variant Classification Sherloc (09022015). Collection method: clinical testing. Allele origin: germline.
Comment: In summary, the available evidence is currently insufficient to determine the role of this variant in disease. Therefore, it has been classified as a Variant of Uncertain Significance. Algorithms developed to predict the effect of sequence changes on RNA splicing suggest that this variant may disrupt the consensus splice site. This variant has not been reported in the literature in individuals affected with HARS-related conditions. This variant is not present in population databases (gnomAD no frequency). This sequence change affects a donor splice site in intron 1 of the HARS gene. It is expected to disrupt RNA splicing. Variants that disrupt the donor or acceptor splice site typically lead to a loss of protein function (PMID: 16199547), however the current clinical and genetic evidence is not sufficient to establish whether loss-of-function variants in HARS cause disease.

Literature cited by the submitters: PubMed 16199547.